The following is an entry in ClinVar:

NM_006206.6(PDGFRA):c.3080C>G (p.Pro1027Arg)

Gene: PDGFRA (platelet derived growth factor receptor alpha; plus strand). Cytogenetic location: 4q12.
Variant type: single nucleotide variant.
Coding change: c.3080C>G on transcript NM_006206.6 (MANE Select); coding-DNA position 3080, C replaced by G.
Protein change: p.Pro1027Arg; replaces proline 1027 with arginine.
Molecular consequence: missense variant.
Genome position (GRCh38, 1-based): chr4:54,290,512, C>G. VCF-style: chr4-54290512-C-G. GRCh37 (hg19) VCF-style: chr4-55156679-C-G.
Other names: c.3155C>G, p.Pro1052Arg (NM_001347828.2); c.3080C>G, p.Pro1027Arg (NM_001347829.2); c.3119C>G, p.Pro1040Arg (NM_001347830.2); short protein forms P1052R, P1027R, P1040R.
Identifiers: ClinVar variation 1727365 (VCV001727365.7), dbSNP rs755391122, ClinGen allele CA356896337.

ClinVar aggregate classification (germline): Uncertain significance. Review status: criteria provided, multiple submitters, no conflicts (2 of 4 stars). 2 submissions from 2 submitters: Uncertain significance (2). Last evaluated 2024-07-19.

Conditions:
Gastrointestinal stromal tumor. Also called: Gastrointestinal stroma tumor; Gastrointestinal stromal tumor, somatic. Identifiers: Orphanet 44890, MedGen C0238198, MeSH D046152, MONDO:0011719, OMIM 606764, HP:0100723.
Hereditary cancer-predisposing syndrome. Also called: Tumor predisposition; Neoplastic Syndromes, Hereditary; Hereditary Cancer Syndrome; Hereditary neoplastic syndrome. Identifiers: Orphanet 140162, MedGen C0027672, MeSH D009386, MONDO:0015356.

Submissions (2):

Labcorp Genetics (formerly Invitae), Labcorp
Classification: Uncertain significance for Gastrointestinal stromal tumor. Last evaluated: 2024-07-19. Review status: criteria provided, single submitter. Criteria: Invitae Variant Classification Sherloc (09022015). Collection method: clinical testing. Allele origin: germline.
Comment: This sequence change replaces proline, which is neutral and non-polar, with arginine, which is basic and polar, at codon 1027 of the PDGFRA protein (p.Pro1027Arg). This variant is not present in population databases (gnomAD no frequency). This variant has not been reported in the literature in individuals affected with PDGFRA-related conditions. ClinVar contains an entry for this variant (Variation ID: 1727365). Advanced modeling of protein sequence and biophysical properties (such as structural, functional, and spatial information, amino acid conservation, physicochemical variation, residue mobility, and thermodynamic stability) performed at Invitae indicates that this missense variant is not expected to disrupt PDGFRA protein function with a negative predictive value of 80%. In summary, the available evidence is currently insufficient to determine the role of this variant in disease. Therefore, it has been classified as a Variant of Uncertain Significance.

Ambry Genetics
Classification: Uncertain significance for Hereditary cancer-predisposing syndrome. Last evaluated: 2023-12-14. Review status: criteria provided, single submitter. Criteria: Ambry Variant Classification Scheme 2023. Collection method: clinical testing. Allele origin: germline.
Comment: The p.P1027R variant (also known as c.3080C>G), located in coding exon 21 of the PDGFRA gene, results from a C to G substitution at nucleotide position 3080. The proline at codon 1027 is replaced by arginine, an amino acid with dissimilar properties. This amino acid position is conserved. In addition, the in silico prediction for this alteration is inconclusive. Since supporting evidence is limited at this time, the clinical significance of this alteration remains unclear.